The following is an entry in ClinVar:

ClinVar aggregate classification (germline): Benign/Likely benign. Review status: criteria provided, multiple submitters, no conflicts (2 of 4 stars). 4 submissions from 4 submitters: Benign (3); Likely benign (1). Last evaluated 2026-02-01.

Conditions:
Xeroderma pigmentosum group B. Also called: XPB/CS; XERODERMA PIGMENTOSUM B/COCKAYNE SYNDROME; ERCC3-Related Xeroderma Pigmentosum; XP, GROUP B. Identifiers: MedGen C0268136, MONDO:0012531, OMIM 610651.

Allele frequency attached by ClinVar (database versions not stated): gnomAD exomes 0.00151 and 0.00371; ExAC 0.00459; gnomAD 0.01471 and 0.01580; 1000 Genomes Project 0.01518; 1000 Genomes Project 30x 0.01562; TOPMed 0.01600; ESP Exome Variant Server 0.01607.
gnomAD v4.1: 4,510 of 1,614,204 alleles (0.28%); highest among the groups gnomAD compares: African/African-American, 5.1%; 106 homozygotes.

Submissions (4):

Labcorp Genetics (formerly Invitae), Labcorp
Classification: Benign. Last evaluated: 2026-02-01. Review status: criteria provided, single submitter. Criteria: Invitae Variant Classification Sherloc (09022015). Collection method: clinical testing. Allele origin: germline.

KCCC/NGS Laboratory, Kuwait Cancer Control Center
Classification: Likely benign for Xeroderma pigmentosum group B. Last evaluated: 2023-07-07. Review status: criteria provided, single submitter. Criteria: ACMG Guidelines, 2015. Collection method: clinical testing. Allele origin: germline. Affected: yes.

Illumina Laboratory Services, Illumina
Classification: Benign for Xeroderma pigmentosum group B. Last evaluated: 2018-01-13. Review status: criteria provided, single submitter. Criteria: ICSL Variant Classification Criteria 13 December 2019. Collection method: clinical testing. Allele origin: germline.
Comment: This variant was observed in the ICSL laboratory as part of a predisposition screen in an ostensibly healthy population. It had not been previously curated by ICSL or reported in the Human Gene Mutation Database (HGMD: prior to June 1st, 2018), and was therefore a candidate for classification through an automated scoring system. Utilizing variant allele frequency, disease prevalence and penetrance estimates, and inheritance mode, an automated score was calculated to assess if this variant is too frequent to cause the disease. Based on the score and internal cut-off values, a variant classified as benign is not then subjected to further curation. The score for this variant resulted in a classification of benign for this disease.

Breakthrough Genomics
Classification: Benign. Review status: criteria provided, single submitter. Criteria: ACMG Guidelines, 2015. Collection method: not provided. Allele origin: germline. Inheritance: Autosomal recessive inheritance. Affected: yes.

NM_000122.2(ERCC3):c.1119G>A (p.Gln373=)

Gene: ERCC3 (ERCC excision repair 3, TFIIH core complex helicase subunit; minus strand). Cytogenetic location: 2q14.3.
Variant type: single nucleotide variant.
Coding change: c.1119G>A on transcript NM_000122.2 (MANE Select); coding-DNA position 1119, G replaced by A.
Protein change: p.Gln373=; no amino-acid change (glutamine 373 retained).
Molecular consequence: synonymous variant.
Genome position (GRCh38, 1-based): chr2:127,286,926, C>T on the plus strand (G>A on the coding strand, the complement: ERCC3 is on the minus strand). VCF-style: chr2-127286926-C-T. GRCh37 (hg19) VCF-style: chr2-128044502-C-T.
Other names: c.927G>A, p.Gln309= (NM_001303416.2, NM_001303418.2).
Identifiers: ClinVar variation 331083 (VCV000331083.17), dbSNP rs2228544, ClinGen allele CA1858350.
Genomic context (GRCh38, chr2:127,286,926, plus strand): 5'-GGTGAACCGGCAGATCTGGCTGTCGTCAATGGTGGACCACATCTTGAACTGGGCTTTCCA[C>T]TGCTCCACAGAAACAGCTGAGTTGCCCAGCACCAGACAGCGTTTTCTGACAGTGCATGCA-3'
Protein context (NP_000113.1, residues 363-383): VLGNSAVSVE[Gln373=]WKAQFKMWST